The following is an entry in ClinVar:

NM_000051.4(ATM):c.6664C>G (p.Pro2222Ala)

Genes: ATM (ATM serine/threonine kinase; plus strand), C11orf65 (chromosome 11 open reading frame 65; minus strand). Cytogenetic location: 11q22.3.
Variant type: single nucleotide variant.
Coding change: c.6664C>G on transcript NM_000051.4 (MANE Select); coding-DNA position 6664, C replaced by G.
Protein change: p.Pro2222Ala; replaces proline 2222 with alanine.
Molecular consequence: missense variant. On other transcripts: intron variant (2).
Genome position (GRCh38, 1-based): chr11:108,325,401, C>G. VCF-style: chr11-108325401-C-G. GRCh37 (hg19) VCF-style: chr11-108196128-C-G.
Other names: c.6664C>G, p.Pro2222Ala (NM_001351834.2); c.641-16330G>C (NM_001330368.2); c.*38+9819G>C (NM_001351110.2); short protein forms P2222A.
Identifiers: ClinVar variation 1754747 (VCV001754747.2), dbSNP rs2085561331, ClinGen allele CA382554853.
Genomic context (GRCh38, chr11:108,325,401, plus strand): 5'-TATATTAAGTGGCAGAAACACTCCCAGCTTCTCAAGGACAGTGATTTTAGTTTTCAGGAG[C>G]CTATCATGGCTCTACGCACAGTCATTTTGGAGATCCTGATGGAAAAGGAAATGGACAACT-3'
Protein context (NP_000042.3, residues 2212-2232): LKDSDFSFQE[Pro2222Ala]IMALRTVILE

ClinVar aggregate classification (germline): Uncertain significance (1 of 4 stars; one submission).

Conditions:
Hereditary cancer-predisposing syndrome. Also called: Hereditary neoplastic syndrome; Neoplastic Syndromes, Hereditary; Tumor predisposition; Hereditary Cancer Syndrome. Identifiers: Orphanet 140162, MedGen C0027672, MeSH D009386, MONDO:0015356.

Submission:

Ambry Genetics
Classification: Uncertain significance for Hereditary cancer-predisposing syndrome. Last evaluated: 2021-04-08. Review status: criteria provided, single submitter. Criteria: Ambry Variant Classification Scheme 2023. Collection method: clinical testing. Allele origin: germline.
Comment: The p.P2222A variant (also known as c.6664C>G), located in coding exon 45 of the ATM gene, results from a C to G substitution at nucleotide position 6664. The proline at codon 2222 is replaced by alanine, an amino acid with highly similar properties. This amino acid position is highly conserved in available vertebrate species. In addition, this alteration is predicted to be deleterious by in silico analysis. Since supporting evidence is limited at this time, the clinical significance of this alteration remains unclear.